The following is an entry in ClinVar:

NM_005477.3(HCN4):c.766C>T (p.His256Tyr)

Gene: HCN4 (hyperpolarization activated cyclic nucleotide gated potassium channel 4; minus strand). Cytogenetic location: 15q24.1.
Variant type: single nucleotide variant.
Coding change: c.766C>T on transcript NM_005477.3 (MANE Select); coding-DNA position 766, C replaced by T.
Protein change: p.His256Tyr; replaces histidine 256 with tyrosine.
Molecular consequence: missense variant.
Genome position (GRCh38, 1-based): chr15:73,367,505, G>A on the plus strand (C>T on the coding strand, the complement: HCN4 is on the minus strand). VCF-style: chr15-73367505-G-A. GRCh37 (hg19) VCF-style: chr15-73659846-G-A.
Other names: c.766C>T (NM_005477.2); short protein forms H256Y.
Identifiers: ClinVar variation 3683611 (VCV003683611.3).
Genomic context (GRCh38, chr15:73,367,505, plus strand): 5'-CCGCGCAGGGCACCCACAGGATCATCGCTGTGGCCCCTTACCTGAAGTCACTGTAGGGGT[G>A]GATAATCCAAAATCCGGCCGACTTGACCCTCTCCTGTTCGCGCTCCACGGCTTTCTGGCT-3'
Protein context (NP_005468.1, residues 246-266): RVKSAGFWII[His256Tyr]PYSDFRFYWD

ClinVar aggregate classification (germline): Uncertain significance. Review status: criteria provided, multiple submitters, no conflicts (2 of 4 stars). 2 submissions from 2 submitters: Uncertain significance (2). Last evaluated 2025-07-21.

Conditions:
Brugada syndrome 8 (BRGDA8). Identifiers: Orphanet 130, MedGen C2751083, MONDO:0013148, OMIM 613123.
Cardiovascular phenotype. Identifiers: MedGen CN230736.

gnomAD v4.1: 9 of 1,613,842 alleles (0.00056%); highest among the groups gnomAD compares: Non-Finnish European, 0.00076%; no homozygotes.

Submissions (2):

Ambry Genetics
Classification: Uncertain significance for Cardiovascular phenotype. Last evaluated: 2025-07-21. Review status: criteria provided, single submitter. Criteria: Ambry Variant Classification Scheme 2023. Collection method: clinical testing. Allele origin: germline.
Comment: The p.H256Y variant (also known as c.766C>T), located in coding exon 1 of the HCN4 gene, results from a C to T substitution at nucleotide position 766. The histidine at codon 256 is replaced by tyrosine, an amino acid with similar properties. This amino acid position is conserved. In addition, this alteration is predicted to be deleterious by in silico analysis. Based on the available evidence, the clinical significance of this variant remains unclear.

Labcorp Genetics (formerly Invitae), Labcorp
Classification: Uncertain significance for Brugada syndrome 8. Last evaluated: 2024-02-03. Review status: criteria provided, single submitter. Criteria: Invitae Variant Classification Sherloc (09022015). Collection method: clinical testing. Allele origin: germline.
Comment: This sequence change replaces histidine, which is basic and polar, with tyrosine, which is neutral and polar, at codon 256 of the HCN4 protein (p.His256Tyr). This variant is not present in population databases (gnomAD no frequency). This variant has not been reported in the literature in individuals affected with HCN4-related conditions. Advanced modeling of protein sequence and biophysical properties (such as structural, functional, and spatial information, amino acid conservation, physicochemical variation, residue mobility, and thermodynamic stability) has been performed at Invitae for this missense variant, however the output from this modeling did not meet the statistical confidence thresholds required to predict the impact of this variant on HCN4 protein function. In summary, the available evidence is currently insufficient to determine the role of this variant in disease. Therefore, it has been classified as a Variant of Uncertain Significance.